The following is an entry in ClinVar:

NM_138638.5(CFL2):c.4-113G>A

Gene: CFL2 (cofilin 2; minus strand). Cytogenetic location: 14q13.1.
Variant type: single nucleotide variant.
Coding change: c.4-113G>A on transcript NM_138638.5 (MANE Select); 113 bases into the intron before coding-DNA position 4, G replaced by A.
Molecular consequence: intron variant. On other transcripts: missense variant (1), initiator codon variant (1).
Genome position (GRCh38, 1-based): chr14:34,713,674, C>T on the plus strand (G>A on the coding strand, the complement: CFL2 is on the minus strand). VCF-style: chr14-34713674-C-T. GRCh37 (hg19) VCF-style: chr14-35182880-C-T.
Other names: p.Met1?; c.3G>A, p.Met1Ile (NM_021914.8); c.-48-113G>A (NM_001243645.2); short protein forms M1I.
Identifiers: ClinVar variation 2683250 (VCV002683250.1), dbSNP rs2502580684, ClinGen allele CA389422207.

ClinVar aggregate classification (germline): Uncertain significance (1 of 4 stars; one submission).

Allele frequency attached by ClinVar (database versions not stated): gnomAD exomes below 0.00001.
gnomAD v4.1: 1 of 1,613,230 alleles (0.000062%); highest among the groups gnomAD compares: Non-Finnish European, 0.000085%; no homozygotes.

Submission:

Mayo Clinic Laboratories, Mayo Clinic
Classification: Uncertain significance. Last evaluated: 2023-05-12. Review status: criteria provided, single submitter. Criteria: ACMG Guidelines, 2015. Collection method: clinical testing. Allele origin: germline. Observed: 1 variant allele.
Comment: PM2